The following is an entry in ClinVar:

ClinVar aggregate classification (germline): Uncertain significance (1 of 4 stars; one submission).

Conditions:
Cardiovascular phenotype. Identifiers: MedGen CN230736.

Allele frequency attached by ClinVar (database versions not stated): TOPMed below 0.00001; gnomAD 0.00001.
gnomAD v4.1: 1 of 1,614,030 alleles (0.000062%); highest among the groups gnomAD compares: Non-Finnish European, 0.000085%; no homozygotes.

Submission:

Ambry Genetics
Classification: Uncertain significance for Cardiovascular phenotype. Last evaluated: 2021-02-26. Review status: criteria provided, single submitter. Criteria: Ambry Variant Classification Scheme 2023. Collection method: clinical testing. Allele origin: germline.
Comment: The p.P642A variant (also known as c.1924C>G), located in coding exon 11 of the LDB3 gene, results from a C to G substitution at nucleotide position 1924. The proline at codon 642 is replaced by alanine, an amino acid with highly similar properties. This amino acid position is well conserved in available vertebrate species; however, alanine is the reference amino acid in other vertebrate species. In addition, the in silico prediction for this alteration is inconclusive. Since supporting evidence is limited at this time, the clinical significance of this alteration remains unclear.

NM_007078.3(LDB3):c.1924C>G (p.Pro642Ala)

Gene: LDB3 (LIM domain binding 3; plus strand). Cytogenetic location: 10q23.2.
Variant type: single nucleotide variant.
Coding change: c.1924C>G on transcript NM_007078.3 (MANE Select); coding-DNA position 1924, C replaced by G.
Protein change: p.Pro642Ala; replaces proline 642 with alanine.
Molecular consequence: missense variant.
Genome position (GRCh38, 1-based): chr10:86,718,793, C>G. VCF-style: chr10-86718793-C-G. GRCh37 (hg19) VCF-style: chr10-88478550-C-G.
Other names: c.1594C>G, p.Pro532Ala (NM_001080114.2); c.1939C>G, p.Pro647Ala (NM_001171610.2); c.1735C>G, p.Pro579Ala (NM_001368064.1, NM_001368065.1); c.1783C>G, p.Pro595Ala (NM_001368066.1); short protein forms P579A, P595A, P642A, P647A, P532A.
Identifiers: ClinVar variation 1782747 (VCV001782747.2), dbSNP rs1432218523, ClinGen allele CA377453989.